The following is an entry in ClinVar:

ClinVar aggregate classification (germline): Benign/Likely benign. Review status: criteria provided, multiple submitters, no conflicts (2 of 4 stars). 3 submissions from 3 submitters: Benign (1); Likely benign (1). 1 of the submissions does not count toward it. Last evaluated 2025-10-13.

Conditions:
Inborn genetic diseases. Identifiers: MedGen C0950123, MeSH D030342.
CUBN-related disorder. Also called: CUBN-related condition.
Imerslund-Grasbeck syndrome. Also called: Imerslund-Gräsbeck syndrome; ENTEROCYTE COBALAMIN MALABSORPTION; ENTEROCYTE INTRINSIC FACTOR RECEPTOR, DEFECT OF; PERNICIOUS ANEMIA, JUVENILE, DUE TO SELECTIVE INTESTINAL MALABSORPTION OF VITAMIN B12, WITH PROTEINURIA; Megaloblastic anemia due to inborn errors of metabolism. Identifiers: Orphanet 35858, MedGen C4551825, MONDO:0009853.

Allele frequency attached by ClinVar (database versions not stated): gnomAD 0.00015; TOPMed 0.00023; 1000 Genomes Project 30x 0.00047; ExAC 0.00049; 1000 Genomes Project 0.00060.
gnomAD v4.1: 220 of 1,614,108 alleles (0.014%); highest among the groups gnomAD compares: East Asian, 0.43%; 2 homozygotes.

Submissions (3):

Labcorp Genetics (formerly Invitae), Labcorp
Classification: Benign for Imerslund-Grasbeck syndrome. Last evaluated: 2025-10-13. Review status: criteria provided, single submitter. Criteria: Invitae Variant Classification Sherloc (09022015). Collection method: clinical testing. Allele origin: germline.

Ambry Genetics
Classification: Likely benign for Inborn genetic diseases. Last evaluated: 2025-05-01. Review status: criteria provided, single submitter. Criteria: Ambry Variant Classification Scheme 2023. Collection method: clinical testing. Allele origin: germline.

PreventionGenetics, part of Exact Sciences
Classification: Likely benign for CUBN-related condition. Last evaluated: 2022-12-20. Review status: no assertion criteria provided. Collection method: clinical testing. Allele origin: germline. Not counted in ClinVar's aggregate classification.
Comment: This variant is classified as likely benign based on ACMG/AMP sequence variant interpretation guidelines (Richards et al. 2015 PMID: 25741868, with internal and published modifications).

NM_001081.4(CUBN):c.2257G>A (p.Val753Met)

Gene: CUBN (cubilin; minus strand). Cytogenetic location: 10p13.
Variant type: single nucleotide variant.
Coding change: c.2257G>A on transcript NM_001081.4 (MANE Select); coding-DNA position 2257, G replaced by A.
Protein change: p.Val753Met; replaces valine 753 with methionine.
Molecular consequence: missense variant.
Genome position (GRCh38, 1-based): chr10:17,084,315, C>T on the plus strand (G>A on the coding strand, the complement: CUBN is on the minus strand). VCF-style: chr10-17084315-C-T. GRCh37 (hg19) VCF-style: chr10-17126314-C-T.
Other names: short protein forms V753M.
Identifiers: ClinVar variation 1942420 (VCV001942420.8), dbSNP rs77886913, ClinGen allele CA5425044.